The following is an entry in ClinVar:

ClinVar aggregate classification (germline): Uncertain significance. Review status: criteria provided, multiple submitters, no conflicts (2 of 4 stars). 3 submissions from 3 submitters: Uncertain significance (2). 1 of the submissions does not count toward it. Last evaluated 2025-10-24.

Conditions:
Inborn genetic diseases. Identifiers: MedGen C0950123, MeSH D030342.
Congenital myasthenic syndrome (CMS). Also called: Congenital Myasthenic Syndromes. Identifiers: Orphanet 590, MedGen C0751882, MeSH D020294, MONDO:0018940.
Congenital myasthenic syndrome 4A. Also called: Myasthenic syndrome, congenital, 4a, slow-channel; MYASTHENIC SYNDROME, CONGENITAL, 4A, SLOW-CHANNEL, AUTOSOMAL RECESSIVE; CONGENITAL MYASTHENIC SYNDROME TYPE Ia1. Identifiers: Orphanet 590, MedGen C4225413, MONDO:0011600, OMIM 605809.

Allele frequency attached by ClinVar (database versions not stated): gnomAD exomes 0.00002 and 0.00005; TOPMed 0.00004; ExAC 0.00006; ESP Exome Variant Server 0.00009.
gnomAD v4.1: 34 of 1,576,660 alleles (0.0022%); highest among the groups gnomAD compares: Admixed American, 0.0053%; no homozygotes.

Submissions (3):

Labcorp Genetics (formerly Invitae), Labcorp
Classification: Uncertain significance for Congenital myasthenic syndrome 4A. Last evaluated: 2025-10-24. Review status: criteria provided, single submitter. Criteria: Invitae Variant Classification Sherloc (09022015). Collection method: clinical testing. Allele origin: germline.
Comment: This sequence change replaces proline, which is neutral and non-polar, with leucine, which is neutral and non-polar, at codon 368 of the CHRNE protein (p.Pro368Leu). This variant is present in population databases (rs371919434, gnomAD 0.01%). This variant has not been reported in the literature in individuals affected with CHRNE-related conditions. ClinVar contains an entry for this variant (Variation ID: 567584). Invitae Evidence Modeling of protein sequence and biophysical properties (such as structural, functional, and spatial information, amino acid conservation, physicochemical variation, residue mobility, and thermodynamic stability) indicates that this missense variant is not expected to disrupt CHRNE protein function with a negative predictive value of 95%. In summary, the available evidence is currently insufficient to determine the role of this variant in disease. Therefore, it has been classified as a Variant of Uncertain Significance.

Ambry Genetics
Classification: Uncertain significance for Inborn genetic diseases. Last evaluated: 2024-01-16. Review status: criteria provided, single submitter. Criteria: Ambry Variant Classification Scheme 2023. Collection method: clinical testing. Allele origin: germline.

Natera, Inc.
Classification: Uncertain significance for Congenital myasthenic syndrome. Last evaluated: 2019-10-28. Review status: no assertion criteria provided. Collection method: clinical testing. Allele origin: germline. Not counted in ClinVar's aggregate classification.

NM_000080.4(CHRNE):c.1103C>T (p.Pro368Leu)

Genes: CHRNE (cholinergic receptor nicotinic epsilon subunit; minus strand), LOC130060041 (ATAC-STARR-seq lymphoblastoid silent region 8050; plus strand). Cytogenetic location: 17p13.2.
Variant type: single nucleotide variant.
Coding change: c.1103C>T on transcript NM_000080.4 (MANE Select); coding-DNA position 1103, C replaced by T.
Protein change: p.Pro368Leu; replaces proline 368 with leucine.
Molecular consequence: missense variant.
Genome position (GRCh38, 1-based): chr17:4,899,314, G>A on the plus strand (C>T on the coding strand, the complement: CHRNE is on the minus strand). VCF-style: chr17-4899314-G-A. GRCh37 (hg19) VCF-style: chr17-4802609-G-A.
Other names: c.1103C>T, p.Pro368Leu (LRG_1254t1); short protein forms P368L.
Identifiers: ClinVar variation 567584 (VCV000567584.10), dbSNP rs371919434, ClinGen allele CA8314017.